The following is an entry in ClinVar:

ClinVar aggregate classification (germline): Uncertain significance. Review status: reviewed by expert panel (3 of 4 stars). 7 submissions from 7 submitters: Uncertain significance (1). 6 of the submissions do not count toward it. Last evaluated 2025-08-01.

Conditions:
Malignant hyperthermia, susceptibility to, 1 (MHS1). Also called: Anesthesia related hyperthermia; Malignant hyperpyrexia; Fulminating hyperpyrexia; Pharmacogenic myopathy; RYR1-Related Malignant Hyperthermia Susceptibility; Malignant hyperthermia suceptibility 1. Identifiers: Orphanet 423, MedGen C2930980, MONDO:0007783, OMIM 145600.
Congenital multicore myopathy with external ophthalmoplegia (CMYO1B). Also called: MULTIMINICORE DISEASE WITH EXTERNAL OPHTHALMOPLEGIA; Congenital myopathy 1B, autosomal recessive; Minicore myopathy; MULTICORE MYOPATHY; Minicore myopathy with external ophthalmoplegia. Identifiers: Orphanet 598, Orphanet 98905, MedGen C1850674, MONDO:0009712, OMIM 255320, HP:0003789.
Central core myopathy (CMYO1A). Also called: CONGENITAL MYOPATHY 1A, AUTOSOMAL DOMINANT, WITH SUSCEPTIBILITY TO MALIGNANT HYPERTHERMIA; Central core disease; Myopathy, central fibrillar. Identifiers: Orphanet 597, MedGen C5830701, MONDO:0007294, OMIM 117000.
Congenital myopathy with fiber type disproportion. Also called: Congenital fiber-type disproportion; Congenital fiber-type disproportion myopathy. Identifiers: Orphanet 2020, MedGen C0546264, MONDO:0009711. Inheritance: all.
King Denborough syndrome (KDS). Identifiers: MedGen C1840365, MONDO:0020485, OMIM 619542.
RYR1-related disorder. Also called: RYR1-related disorders; RYR1-related condition. Identifiers: MedGen CN239331.
Multiminicore myopathy. Identifiers: Orphanet 598, MedGen C0270962, MONDO:0018948.
Autosomal dominant centronuclear myopathy. Also called: Myopathy, centronuclear, 3; MYOTUBULAR MYOPATHY, AUTOSOMAL DOMINANT. Identifiers: Orphanet 169189, MedGen C4551952, MeSH D020914, MONDO:0008048, OMIM 160150.
Malignant hyperthermia of anesthesia. Also called: Anesthesic-triggered malignant hyperthermia. Identifiers: Orphanet 423, MedGen C0024591, MONDO:0018493, HP:0034733.
Inborn genetic diseases. Identifiers: MedGen C0950123, MeSH D030342.

Allele frequency attached by ClinVar (database versions not stated): TOPMed 0.00004; gnomAD 0.00007; gnomAD exomes 0.00001.
gnomAD v4.1: 37 of 1,613,892 alleles (0.0023%); highest among the groups gnomAD compares: African/African-American, 0.008%; no homozygotes.

Submissions (7):

ClinGen Malignant Hyperthermia Susceptibility Variant Curation Expert Panel, ClinGen
Classification: Uncertain significance for Malignant hyperthermia of anesthesia. Last evaluated: 2025-08-01. Review status: reviewed by expert panel. Criteria: ClinGen MHS ACMG Specifications V2. Collection method: curation. Allele origin: germline. Inheritance: Autosomal dominant inheritance.
Comment: This pathogenicity assessment is relevant only for malignant hyperthermia susceptibility (MHS) inherited in an autosomal dominant pattern. Variants in RYR1 can also cause other myopathies inherited in an autosomal dominant pattern or in an autosomal recessive pattern. Some of these disorders may predispose individuals to malignant hyperthermia. RYR1 variants may also contribute to a malignant hyperthermia reaction in combination with other genetic and non-genetic factors and the clinician needs to consider such factors in making management decisions. This sequence variant predicts a substitution of arginine with histidine at codon 492 of the RYR1 protein, p.(Arg492His). The maximum allele frequency for this variant among the six major gnomAD populations is AFR: 0.00008, a frequency consistent with pathogenicity for MHS. This variant has been reported in an individual with a personal or family history of an MH episode and a positive in vitro contracture test (IVCT) or caffeine halothane contracture test (CHCT) result (if the proband was unavailable for testing, a positive diagnostic test result in a mutation-positive relative was counted), (PMID:30236257). However, the high MAF in the AFR population in gnomAD precludes the use of PS4. No functional studies were identified for this variant. This variant resides in a region of RYR1 considered to be a hotspot for pathogenic variants that contribute to MHS, PM1 (PMID: 21118704). A REVEL score of 0.81 supports neither a pathogenic nor a benign status for this variant. This variant has been classified as a Variant of Unknown Significance. Criteria implemented: PM1.

GeneDx
Classification: Likely pathogenic. Last evaluated: 2026-03-27. Review status: criteria provided, single submitter. Criteria: GeneDx Variant Classification Process June 2021. Collection method: clinical testing. Allele origin: germline. Not counted in ClinVar's aggregate classification.
Comment: Previously identified in an individual with a history of exertional heat illness and a positive IVCT test (PMID: 32054689, 25658027); Not observed at significant frequency in large population cohorts (gnomAD); In silico analysis supports that this missense variant has a deleterious effect on protein structure/function; This variant is associated with the following publications: (PMID: 33767344, 32054689, 25658027, 30236257)

All of Us Research Program, National Institutes of Health
Classification: Uncertain significance for Malignant hyperthermia, susceptibility to, 1. Last evaluated: 2024-07-20. Review status: criteria provided, single submitter. Criteria: ACMG Guidelines, 2015. Collection method: clinical testing. Allele origin: germline. Inheritance: Autosomal dominant inheritance. Observed: 6 variant alleles, 6 heterozygotes. Not counted in ClinVar's aggregate classification.
Comment: This missense variant replaces arginine with histidine at codon 492 of the RYR1 protein. Computational prediction suggests that this variant may have deleterious impact on protein structure and function (internally defined REVEL score threshold >= 0.7, PMID: 27666373). To our knowledge, functional studies have not been reported for this variant. This variant has been reported in a family affected with malignant hyperthermia susceptibility (PMID: 25658027, 30236257) and an individual with a history of exertional heat illness diagnosed as malignant hyperthermia equivocal by in vitro contracture test (PMID: 32054689). This variant has been identified in 4/282860 chromosomes in the general population by the Genome Aggregation Database (gnomAD). The available evidence is insufficient to determine the role of this variant in disease conclusively. Therefore, this variant is classified as a Variant of Uncertain Significance.

This study involves interpretation of variants in research participants for the purpose of population health screening. Participant phenotype was not available at the time of variant classification. Additional details can be found in publication PMID: 35346344, PMCID: PMC8962531

Color Diagnostics, LLC DBA Color Health
Classification: Uncertain significance for Malignant hyperthermia, susceptibility to, 1. Last evaluated: 2024-07-11. Review status: criteria provided, single submitter. Criteria: ACMG Guidelines, 2015. Collection method: clinical testing. Allele origin: germline. Not counted in ClinVar's aggregate classification.
Comment: This missense variant replaces arginine with histidine at codon 492 of the RYR1 protein. Computational prediction is inconclusive regarding the impact of this variant on protein structure and function. To our knowledge, functional studies have not been reported for this variant. This variant has been reported in a family affected with malignant hyperthermia susceptibility (PMID: 25658027, 30236257) and an individual with a history of exertional heat illness diagnosed as malignant hyperthermia equivocal by in vitro contracture test (PMID: 32054689). This variant has been identified in 4/282860 chromosomes in the general population by the Genome Aggregation Database (gnomAD). The available evidence is insufficient to determine the role of this variant in disease conclusively. Therefore, this variant is classified as a Variant of Uncertain Significance.

Ambry Genetics
Classification: Uncertain significance for Inborn genetic diseases. Last evaluated: 2023-03-27. Review status: criteria provided, single submitter. Criteria: Ambry Variant Classification Scheme 2023. Collection method: clinical testing. Allele origin: germline. Not counted in ClinVar's aggregate classification.
Comment: The c.1475G>A (p.R492H) alteration is located in exon 14 (coding exon 14) of the RYR1 gene. This alteration results from a G to A substitution at nucleotide position 1475, causing the arginine (R) at amino acid position 492 to be replaced by a histidine (H). Based on data from gnomAD, the A allele has an overall frequency of 0.001% (4/282860) total alleles studied. The highest observed frequency was 0.008% (2/24950) of African alleles. This variant has been reported in one individual found to be malignant hyperthermia susceptible by in vitro contracture test (Fiszer, 2015). This amino acid position is highly conserved in available vertebrate species. The in silico prediction for this alteration is inconclusive. Based on insufficient or conflicting evidence, the clinical significance of this alteration remains unclear.

Labcorp Genetics (formerly Invitae), Labcorp
Classification: Uncertain significance for RYR1-related disorder. Last evaluated: 2022-09-10. Review status: criteria provided, single submitter. Criteria: Invitae Variant Classification Sherloc (09022015). Collection method: clinical testing. Allele origin: germline. Not counted in ClinVar's aggregate classification.
Comment: This sequence change replaces arginine, which is basic and polar, with histidine, which is basic and polar, at codon 492 of the RYR1 protein (p.Arg492His). This variant is present in population databases (no rsID available, gnomAD 0.008%). This missense change has been observed in individual(s) with malignant hyperthermia (PMID: 25658027). ClinVar contains an entry for this variant (Variation ID: 1050940). Advanced modeling of protein sequence and biophysical properties (such as structural, functional, and spatial information, amino acid conservation, physicochemical variation, residue mobility, and thermodynamic stability) has been performed at Invitae for this missense variant, however the output from this modeling did not meet the statistical confidence thresholds required to predict the impact of this variant on RYR1 protein function. In summary, the available evidence is currently insufficient to determine the role of this variant in disease. Therefore, it has been classified as a Variant of Uncertain Significance.

Fulgent Genetics
Classification: Uncertain significance for Central core myopathy; Malignant hyperthermia, susceptibility to, 1; Congenital myopathy 4A, autosomal dominant; Congenital multicore myopathy with external ophthalmoplegia; King Denborough syndrome. Last evaluated: 2021-08-16. Review status: criteria provided, single submitter. Criteria: ACMG Guidelines, 2015. Collection method: clinical testing. Allele origin: unknown. Not counted in ClinVar's aggregate classification.

Literature cited by the submitters: PubMed 25658027 (cited by 4 submitters); PubMed 30236257 (cited by All of Us Research Program, National Institutes of Health and Color Diagnostics, LLC DBA Color Health); PubMed 32054689 (cited by All of Us Research Program, National Institutes of Health and Color Diagnostics, LLC DBA Color Health).

NM_000540.3(RYR1):c.1475G>A (p.Arg492His)

Genes: RYR1 (ryanodine receptor 1; plus strand), LOC129391106 (MPRA-validated peak3472 silencer; plus strand). Cytogenetic location: 19q13.2.
Variant type: single nucleotide variant.
Coding change: c.1475G>A on transcript NM_000540.3 (MANE Select); coding-DNA position 1475, G replaced by A.
Protein change: p.Arg492His; replaces arginine 492 with histidine.
Molecular consequence: missense variant.
Genome position (GRCh38, 1-based): chr19:38,455,269, G>A. VCF-style: chr19-38455269-G-A. GRCh37 (hg19) VCF-style: chr19-38945909-G-A.
Other names: c.1475G>A, p.Arg492His (NM_001042723.2); c.1475G>A (NM_000540.2); short protein forms R492H.
Identifiers: ClinVar variation 1050940 (VCV001050940.16), dbSNP rs901087791, ClinGen allele CA308122919.
Genomic context (GRCh38, chr19:38,455,269, plus strand): 5'-GATGCCTCTTATTTTCCTCATCCTAGGGGATGCTCTCCATGGTCCTGAATTGCATAGACC[G>A]CCTAAATGTCTACACCACTGCTGCCCACTTTGCTGAGTTTGCAGGGGAGGAGGCAGCCGA-3'
Protein context (NP_000531.2, residues 482-502): MLSMVLNCID[Arg492His]LNVYTTAAHF